The following is an entry in ClinVar:

ClinVar aggregate classification (germline): Uncertain significance (1 of 4 stars; one submission).

Conditions:
Regional enteritis. Also called: Enteritis, Granulomatous. Identifiers: MedGen C0678202, MeSH D003424.
Blau syndrome (BLAUS). Also called: GRANULOMATOSIS, FAMILIAL JUVENILE SYSTEMIC; GRANULOMATOSIS, FAMILIAL, BLAU TYPE; GRANULOMATOUS INFLAMMATORY ARTHRITIS, DERMATITIS, AND UVEITIS, FAMILIAL; JABS SYNDROME; ARTHROCUTANEOUVEAL GRANULOMATOSIS. Identifiers: Orphanet 90340, MedGen C5201146, MONDO:0008523, OMIM 186580.

Submission:

Labcorp Genetics (formerly Invitae), Labcorp
Classification: Uncertain significance for Regional enteritis; Blau syndrome. Last evaluated: 2021-12-03. Review status: criteria provided, single submitter. Criteria: Invitae Variant Classification Sherloc (09022015). Collection method: clinical testing. Allele origin: germline.
Comment: This sequence change creates a premature translational stop signal (p.Gly302Alafs*75) in the NOD2 gene. It is expected to result in an absent or disrupted protein product. However, the current clinical and genetic evidence is not sufficient to establish whether loss-of-function variants in NOD2 cause disease. This variant is not present in population databases (gnomAD no frequency). In summary, the available evidence is currently insufficient to determine the role of this variant in disease. Therefore, it has been classified as a Variant of Uncertain Significance. This variant has not been reported in the literature in individuals affected with NOD2-related conditions.

NM_001370466.1(NOD2):c.824del (p.Gly275fs)

Gene: NOD2 (nucleotide binding oligomerization domain containing 2; plus strand). Cytogenetic location: 16q12.1.
Variant type: Deletion.
Coding change: c.824del on transcript NM_001370466.1 (MANE Select); coding-DNA position 824, one base deleted (G; older notation c.824delG).
Protein change: p.Gly275fs; shifts the reading frame from glycine 275.
Molecular consequence: frameshift variant. On other transcripts: non-coding transcript variant (1).
Genome position (GRCh38, 1-based): chr16:50,710,816, G deleted; the last of 3 consecutive G bases (chr16:50,710,814-50,710,816); deleting any one gives the same sequence. VCF-style (leftmost placement, unchanged base first): chr16-50710813-CG-C. GRCh37 (hg19) VCF-style: chr16-50744724-CG-C.
Other names: c.824del, p.Gly275fs (NM_001293557.2); c.905del, p.Gly302fs (NM_022162.3); short protein forms G302fs, G275fs.
Identifiers: ClinVar variation 1483902 (VCV001483902.6), dbSNP rs2150808087, ClinGen allele CA2573152310.